The following is an entry in ClinVar:

ClinVar aggregate classification (germline): Uncertain significance (1 of 4 stars; one submission).

gnomAD v4.1: 5 of 1,614,008 alleles (0.00031%); highest among the groups gnomAD compares: East Asian, 0.0022%; no homozygotes.

Submission:

GeneDx
Classification: Uncertain significance. Last evaluated: 2024-05-14. Review status: criteria provided, single submitter. Criteria: GeneDx Variant Classification Process June 2021. Collection method: clinical testing. Allele origin: germline. Affected: yes.
Comment: Not observed at significant frequency in large population cohorts (gnomAD); In silico analysis indicates that this missense variant does not alter protein structure/function; Has not been previously published as pathogenic or benign to our knowledge

NM_005506.4(SCARB2):c.851A>G (p.Tyr284Cys)

Gene: SCARB2 (scavenger receptor class B member 2; minus strand). Cytogenetic location: 4q21.1.
Variant type: single nucleotide variant.
Coding change: c.851A>G on transcript NM_005506.4 (MANE Select); coding-DNA position 851, A replaced by G.
Protein change: p.Tyr284Cys; replaces tyrosine 284 with cysteine.
Molecular consequence: missense variant.
Genome position (GRCh38, 1-based): chr4:76,174,287, T>C on the plus strand (A>G on the coding strand, the complement: SCARB2 is on the minus strand). VCF-style: chr4-76174287-T-C. GRCh37 (hg19) VCF-style: chr4-77095440-T-C.
Other names: c.422A>G, p.Tyr141Cys (NM_001204255.2); short protein forms Y141C, Y284C.
Identifiers: ClinVar variation 3378008 (VCV003378008.1).